The following is an entry in ClinVar:

NM_000965.5(RARB):c.1160G>T (p.Arg387Leu)

Gene: RARB (retinoic acid receptor beta; plus strand). Cytogenetic location: 3p24.2.
Variant type: single nucleotide variant.
Coding change: c.1160G>T on transcript NM_000965.5 (MANE Select); coding-DNA position 1160, G replaced by T.
Protein change: p.Arg387Leu; replaces arginine 387 with leucine.
Molecular consequence: missense variant. On other transcripts: non-coding transcript variant (2).
Genome position (GRCh38, 1-based): chr3:25,596,429, G>T. VCF-style: chr3-25596429-G-T. GRCh37 (hg19) VCF-style: chr3-25637920-G-T.
Other names: c.1181G>T, p.Arg394Leu (NM_001290216.3); c.824G>T, p.Arg275Leu (NM_001290217.2, NM_001290276.2, NM_016152.4); c.1013G>T, p.Arg338Leu (NM_001290266.2); c.1022G>T, p.Arg341Leu (NM_001290277.1); c.1031G>T, p.Arg344Leu (NM_001290300.2); short protein forms R387L, R341L, R275L, R344L, R338L, R394L.
Identifiers: ClinVar variation 430023 (VCV000430023.4), dbSNP rs1131691740, ClinGen allele CA351889073.

ClinVar aggregate classification (germline): Pathogenic (1 of 4 stars; one submission).

Submission:

GeneDx
Classification: Pathogenic. Last evaluated: 2025-08-25. Review status: criteria provided, single submitter. Criteria: GeneDx Variant Classification Process June 2021. Collection method: clinical testing. Allele origin: germline. Affected: yes.
Comment: Published functional studies demonstrate a damaging effect resulting in a significant gain of function effect (PMID: 37092537); In silico analysis supports that this missense variant has a deleterious effect on protein structure/function; Not observed at significant frequency in large population cohorts (gnomAD); This variant is associated with the following publications: (PMID: 37092537, 24075189, 30281527, 39450403)